The following is an entry in ClinVar:

NM_152703.5(SAMD9L):c.2494A>G (p.Thr832Ala)

Gene: SAMD9L (sterile alpha motif domain containing 9 like; minus strand). Cytogenetic location: 7q21.2.
Variant type: single nucleotide variant.
Coding change: c.2494A>G on transcript NM_152703.5 (MANE Select); coding-DNA position 2494, A replaced by G.
Protein change: p.Thr832Ala; replaces threonine 832 with alanine.
Molecular consequence: missense variant.
Genome position (GRCh38, 1-based): chr7:93,133,478, T>C on the plus strand (A>G on the coding strand, the complement: SAMD9L is on the minus strand). VCF-style: chr7-93133478-T-C. GRCh37 (hg19) VCF-style: chr7-92762791-T-C.
Other names: c.2494A>G, p.Thr832Ala (NM_001303496.3, NM_001303497.3, NM_001303498.3 and 5 more transcripts); c.2494A>G (NM_152703.2); short protein forms T832A.
Identifiers: ClinVar variation 2504409 (VCV002504409.2), dbSNP rs751988976, ClinGen allele CA4343579.

ClinVar aggregate classification (germline): Uncertain significance. Review status: criteria provided, multiple submitters, no conflicts (2 of 4 stars). 2 submissions from 2 submitters: Uncertain significance (2). Last evaluated 2024-11-28.

Conditions:
Inborn genetic diseases. Identifiers: MedGen C0950123, MeSH D030342.

Allele frequency attached by ClinVar (database versions not stated): ExAC 0.00001.
gnomAD v4.1: 1 of 1,612,274 alleles (0.000062%); no homozygotes.

Submissions (2):

Ambry Genetics
Classification: Uncertain significance for Inborn genetic diseases. Last evaluated: 2024-11-28. Review status: criteria provided, single submitter. Criteria: Ambry Variant Classification Scheme 2023. Collection method: clinical testing. Allele origin: germline.
Comment: The p.T832A variant (also known as c.2494A>G), located in coding exon 1 of the SAMD9L gene, results from an A to G substitution at nucleotide position 2494. The threonine at codon 832 is replaced by alanine, an amino acid with similar properties. This amino acid position is conserved. In addition, this alteration is predicted to be tolerated by in silico analysis. Based on the available evidence, the clinical significance of this variant remains unclear.

GeneDx
Classification: Uncertain significance. Last evaluated: 2022-12-02. Review status: criteria provided, single submitter. Criteria: GeneDx Variant Classification Process June 2021. Collection method: clinical testing. Allele origin: germline. Affected: yes.
Comment: Not observed at significant frequency in large population cohorts (gnomAD); In silico analysis supports that this missense variant does not alter protein structure/function; Has not been previously published as pathogenic or benign to our knowledge; This variant is associated with the following publications: (PMID: 28545555)